The following is an entry in ClinVar:

ClinVar aggregate classification (germline): Conflicting classifications of pathogenicity. Review status: criteria provided, conflicting classifications (1 of 4 stars). 3 submissions from 3 submitters: Uncertain significance (1); Likely benign (2). Last evaluated 2023-02-21.

Conditions:
Autosomal recessive ataxia, Beauce type. Also called: Spinocerebellar ataxia, autosomal recessive 8; ATAXIA, RECESSIVE, OF BEAUCE; SYNE1 Deficiency; SYNE1-Related Autosomal Recessive Cerebellar Ataxia. Identifiers: Orphanet 88644, MedGen C1853116, MONDO:0012549, OMIM 610743.
Emery-Dreifuss muscular dystrophy 4, autosomal dominant (EDMD4). Also called: EMERY-DREIFUSS MUSCULAR DYSTROPHY 4 WITH VARIABLE FEATURES. Identifiers: Orphanet 261, MedGen C2751807, MONDO:0013071, OMIM 612998.

Submissions (3):

Labcorp Genetics (formerly Invitae), Labcorp
Classification: Likely benign for Emery-Dreifuss muscular dystrophy 4, autosomal dominant; Autosomal recessive ataxia, Beauce type. Last evaluated: 2023-02-21. Review status: criteria provided, single submitter. Criteria: Invitae Variant Classification Sherloc (09022015). Collection method: clinical testing. Allele origin: germline.

Eurofins Ntd Llc (ga)
Classification: Uncertain significance. Last evaluated: 2018-06-15. Review status: criteria provided, single submitter. Criteria: EGL ClinVar v180209 classification definitions. Collection method: clinical testing. Allele origin: germline. Observed: 1 variant allele, 1 heterozygote.

GeneDx
Classification: Likely benign. Last evaluated: 2018-05-16. Review status: criteria provided, single submitter. Criteria: GeneDx Variant Classification (06012015). Collection method: clinical testing. Allele origin: germline. Affected: yes.
Comment: This variant is considered likely benign or benign based on one or more of the following criteria: it is a conservative change, it occurs at a poorly conserved position in the protein, it is predicted to be benign by multiple in silico algorithms, and/or has population frequency not consistent with disease.

NM_182961.4(SYNE1):c.7713-5T>C

Gene: SYNE1 (spectrin repeat containing nuclear envelope protein 1; minus strand). Cytogenetic location: 6q25.2.
Variant type: single nucleotide variant.
Coding change: c.7713-5T>C on transcript NM_182961.4 (MANE Select); 5 bases into the intron before coding-DNA position 7713, T replaced by C.
Molecular consequence: intron variant.
Genome position (GRCh38, 1-based): chr6:152,391,573, A>G on the plus strand (T>C on the coding strand, the complement: SYNE1 is on the minus strand). VCF-style: chr6-152391573-A-G. GRCh37 (hg19) VCF-style: chr6-152712708-A-G.
Other names: c.7734-5T>C (NM_033071.5).
Identifiers: ClinVar variation 597554 (VCV000597554.10), dbSNP rs893217390, ClinGen allele CA150191231.